The following is an entry in ClinVar:

ClinVar aggregate classification (germline): Pathogenic (1 of 4 stars; one submission).

Submission:

Labcorp Genetics (formerly Invitae), Labcorp
Classification: Pathogenic. Last evaluated: 2025-06-04. Review status: criteria provided, single submitter. Criteria: Invitae Variant Classification Sherloc (09022015). Collection method: clinical testing. Allele origin: germline.
Comment: This sequence change creates a premature translational stop signal (p.Gln170*) in the MCM3AP gene. It is expected to result in an absent or disrupted protein product. Loss-of-function variants in MCM3AP are known to be pathogenic (PMID: 28633435). This variant is not present in population databases (gnomAD no frequency). This variant has not been reported in the literature in individuals affected with MCM3AP-related conditions. For these reasons, this variant has been classified as Pathogenic.

Literature cited by the submitters: PubMed 28633435.

NM_003906.5(MCM3AP):c.508C>T (p.Gln170Ter)

Gene: MCM3AP (minichromosome maintenance complex component 3 associated protein; minus strand). Cytogenetic location: 21q22.3.
Variant type: single nucleotide variant.
Coding change: c.508C>T on transcript NM_003906.5 (MANE Select); coding-DNA position 508, C replaced by T.
Protein change: p.Gln170Ter; replaces glutamine 170 with a stop codon.
Molecular consequence: nonsense.
Genome position (GRCh38, 1-based): chr21:46,284,779, G>A on the plus strand (C>T on the coding strand, the complement: MCM3AP is on the minus strand). VCF-style: chr21-46284779-G-A. GRCh37 (hg19) VCF-style: chr21-47704693-G-A.
Other names: short protein forms Q170*.
Identifiers: ClinVar variation 4809972 (VCV004809972.1).